The following is an entry in ClinVar:

NM_000179.3(MSH6):c.3273dup (p.Lys1092Ter)

Gene: MSH6 (mutS homolog 6; plus strand). Cytogenetic location: 2p16.3.
Variant type: Duplication.
Coding change: c.3273dup on transcript NM_000179.3 (MANE Select); coding-DNA position 3273, one base duplicated (T; older notation c.3273dupT).
Protein change: p.Lys1092Ter; replaces lysine 1092 with a stop codon.
Molecular consequence: nonsense.
Genome position (GRCh38, 1-based): chr2:47,803,520, T duplicated; the last of 2 consecutive T bases (chr2:47,803,519-47,803,520); duplicating either gives the same sequence. VCF-style (leftmost placement, unchanged base first): chr2-47803518-C-CT. GRCh37 (hg19) VCF-style: chr2-48030657-C-CT.
Other names: c.2883dup, p.Lys962Ter (NM_001281492.2); c.2367dup, p.Lys790Ter (NM_001281493.2, NM_001281494.2); short protein forms K962*, K790*, K1092*.
Identifiers: ClinVar variation 89367 (VCV000089367.2), dbSNP rs267608095, ClinGen allele CA012410.
Genomic context (GRCh38, chr2:47,803,518, plus strand): 5'-GATGGTCCTATGTGTCGCCCAGTAATTCTGTTGCCGGAAGATACCCCCCCCTTCTTAGAG[C>CT]TTAAAGGATCACGCCATCCTTGCATTACGAAGACTTTTTTTGGAGATGATTTTATTCCTA-3'

ClinVar aggregate classification (germline): Pathogenic (3 of 4 stars; one submission).

Conditions:
Lynch syndrome. Identifiers: Orphanet 144, MedGen C4552100, MONDO:0005835. Disease mechanism: loss of function.

Submission:

International Society for Gastrointestinal Hereditary Tumours (InSiGHT)
Classification: Pathogenic for Lynch Syndrome. Last evaluated: 2013-09-05. Review status: reviewed by expert panel. Criteria: Guidelines v1.9. Collection method: research. Allele origin: germline.
Comment: Coding sequence variation resulting in a stop codon

Classified with v1.9 guidelines